The following is an entry in ClinVar:

ClinVar aggregate classification (germline): Conflicting classifications of pathogenicity. Review status: criteria provided, conflicting classifications (1 of 4 stars). 3 submissions from 3 submitters: Uncertain significance (2); Likely benign (1). Last evaluated 2026-04-27.

Conditions:
Hereditary cancer-predisposing syndrome. Also called: Neoplastic Syndromes, Hereditary; Hereditary Cancer Syndrome; Tumor predisposition; Hereditary neoplastic syndrome. Identifiers: Orphanet 140162, MedGen C0027672, MeSH D009386, MONDO:0015356.
Gorlin syndrome. Also called: Basal cell nevus syndrome; Nevoid Basal Cell Carcinoma Syndrome. Identifiers: Orphanet 377, MedGen C0004779, MONDO:0007187.

Allele frequency attached by ClinVar (database versions not stated): gnomAD 0.00001; ESP Exome Variant Server 0.00008; TOPMed 0.00001.
gnomAD v4.1: 10 of 1,614,084 alleles (0.00062%); highest among the groups gnomAD compares: Admixed American, 0.0017%; no homozygotes.

Submissions (3):

Ambry Genetics
Classification: Uncertain significance for Hereditary cancer-predisposing syndrome. Last evaluated: 2026-04-27. Review status: criteria provided, single submitter. Criteria: Ambry Variant Classification Scheme 2023. Collection method: clinical testing. Allele origin: germline.
Comment: The p.R1025H variant (also known as c.3074G>A), located in coding exon 18 of the PTCH1 gene, results from a G to A substitution at nucleotide position 3074. The arginine at codon 1025 is replaced by histidine, an amino acid with highly similar properties. This variant was detected as heterozygous in individual(s) with no reported features of PTCH1-related nevoid basal cell carcinoma syndrome (Ambry internal data). This amino acid position is highly conserved in available vertebrate species. In addition, this alteration is predicted to be deleterious by in silico analysis. Based on the available evidence, the clinical significance of this variant remains unclear.

Labcorp Genetics (formerly Invitae), Labcorp
Classification: Likely benign for Gorlin syndrome. Last evaluated: 2026-01-18. Review status: criteria provided, single submitter. Criteria: Invitae Variant Classification Sherloc (09022015). Collection method: clinical testing. Allele origin: germline.

GeneDx
Classification: Uncertain significance. Last evaluated: 2020-11-06. Review status: criteria provided, single submitter. Criteria: GeneDx Variant Classification Process June 2021. Collection method: clinical testing. Allele origin: germline. Affected: yes.
Comment: Not observed at a significant frequency in large population cohorts (Lek et al., 2016); In silico analysis, which includes protein predictors and evolutionary conservation, supports a deleterious effect; Missense variant in a gene in which most reported pathogenic variants are truncating/loss-of-function; Has not been previously published as pathogenic or benign to our knowledge

Literature cited by the submitters: PubMed 29146900 (cited by Ambry Genetics).

NM_000264.5(PTCH1):c.3074G>A (p.Arg1025His)

Gene: PTCH1 (patched 1; minus strand). Cytogenetic location: 9q22.32.
Variant type: single nucleotide variant.
Coding change: c.3074G>A on transcript NM_000264.5 (MANE Select); coding-DNA position 3074, G replaced by A.
Protein change: p.Arg1025His; replaces arginine 1025 with histidine.
Molecular consequence: missense variant. On other transcripts: non-coding transcript variant (1).
Genome position (GRCh38, 1-based): chr9:95,458,107, C>T on the plus strand (G>A on the coding strand, the complement: PTCH1 is on the minus strand). VCF-style: chr9-95458107-C-T. GRCh37 (hg19) VCF-style: chr9-98220389-C-T.
Other names: c.2876G>A, p.Arg959His (NM_001083602.3); c.3071G>A, p.Arg1024His (NM_001083603.3); c.2621G>A, p.Arg874His (NM_001083604.3, NM_001083605.3, NM_001083606.3 and 1 more transcripts); c.2918G>A, p.Arg973His (NM_001354918.2); short protein forms R959H, R1025H, R1024H, R874H, R973H.
Identifiers: ClinVar variation 220559 (VCV000220559.20), dbSNP rs370150142, ClinGen allele CA349395.